The following is an entry in ClinVar:

NM_001195626.3(MLLT10):c.99C>T (p.Gly33=)

Genes: MLLT10 (MLLT10 histone lysine methyltransferase DOT1L cofactor; plus strand), LOC130003473 (ATAC-STARR-seq lymphoblastoid silent region 2196; plus strand). Cytogenetic location: 10p12.31.
Variant type: single nucleotide variant.
Coding change: c.99C>T on transcript NM_001195626.3 (MANE Select); coding-DNA position 99, C replaced by T.
Protein change: p.Gly33=; no amino-acid change (glycine 33 retained).
Molecular consequence: synonymous variant. On other transcripts: 5 prime UTR variant (1), non-coding transcript variant (1).
Genome position (GRCh38, 1-based): chr10:21,534,743, C>T. VCF-style: chr10-21534743-C-T. GRCh37 (hg19) VCF-style: chr10-21823672-C-T.
Other names: c.99C>T, p.Gly33= (NM_001195627.2, NM_001195628.2, NM_001195630.2 and 2 more transcripts); c.-977C>T (NM_001324297.2).
Identifiers: ClinVar variation 2640346 (VCV002640346.24), dbSNP rs199515071, ClinGen allele CA5434301.

ClinVar aggregate classification (germline): Likely benign (1 of 4 stars; one submission).

Allele frequency attached by ClinVar (database versions not stated): ESP Exome Variant Server 0.00015; gnomAD 0.00020; ExAC 0.00024.
gnomAD v4.1: 395 of 1,613,122 alleles (0.024%); highest among the groups gnomAD compares: Admixed American, 0.017%; 1 homozygote.

Submission:

CeGaT Center for Human Genetics Tuebingen
Classification: Likely benign. Last evaluated: 2022-10-01. Review status: criteria provided, single submitter. Criteria: CeGaT Center For Human Genetics Tuebingen Variant Classification Criteria Version 2. Collection method: clinical testing. Allele origin: germline. Affected: yes. Observed: 1 variant allele.
Comment: MLLT10: BP4, BP7